The following is an entry in ClinVar:

ClinVar aggregate classification (germline): Pathogenic. Review status: criteria provided, multiple submitters, no conflicts (2 of 4 stars). 2 submissions from 2 submitters: Pathogenic (2). Last evaluated 2026-05-21.

Conditions:
JAG1-related disorder. Also called: JAG1-related condition; JAG1-related disorders.
Alagille syndrome due to a JAG1 point mutation. Also called: JAG1-Related Alagille Syndrome; Alagille Syndrome 1; HEPATIC DUCTULAR HYPOPLASIA, SYNDROMATIC. Identifiers: Orphanet 261619, Orphanet 52, MedGen C1956125, MONDO:0016862, OMIM 118450.

Submissions (2):

PreventionGenetics, part of Exact Sciences
Classification: Pathogenic for JAG1-related condition. Last evaluated: 2026-05-21. Review status: criteria provided, single submitter. Criteria: ACMG Guidelines, 2015. Collection method: clinical testing. Allele origin: germline.
Comment: The JAG1 c.879_880delTG variant is predicted to result in premature protein termination (p.Cys293*). This variant was reported as de novo in an individual with Alagille syndrome (Dědič et al. 2015. PubMed ID: 26618708). This variant has not been reported in a large population database (gnomAD), indicating this variant is rare. Nonsense variants in JAG1 are expected to be pathogenic. This variant is interpreted as pathogenic.

Women's Health and Genetics/Laboratory Corporation of America, LabCorp
Classification: Pathogenic for Alagille syndrome due to a JAG1 point mutation. Last evaluated: 2026-05-15. Review status: criteria provided, single submitter. Criteria: LabCorp Variant Classification Summary - May 2015. Collection method: clinical testing. Allele origin: germline.
Comment: Variant summary: JAG1 c.879_880delTG (p.Cys293X) results in a premature termination codon, predicted to cause a truncation of the encoded protein or absence of the protein due to nonsense mediated decay, which are commonly known mechanisms for disease. The variant was absent in 251384 control chromosomes. c.879_880delTG has been observed in individual(s) affected with JAG1-related conditions (Dedic_2015). To our knowledge, no experimental evidence demonstrating an impact on protein function has been reported. The following publication have been ascertained in the context of this evaluation (PMID: 26618708). No submitters have cited clinical-significance assessments for this variant to ClinVar. Based on the evidence outlined above, the variant was classified as pathogenic.

Literature cited by the submitters: PubMed 26618708 (cited by Women's Health and Genetics/Laboratory Corporation of America, LabCorp).

NM_000214.3(JAG1):c.879_880del (p.Cys293_Asp294delinsTer)

Gene: JAG1 (jagged canonical Notch ligand 1; minus strand). Cytogenetic location: 20p12.2.
Variant type: Microsatellite.
Coding change: c.879_880del on transcript NM_000214.3 (MANE Select); coding-DNA positions 879 to 880, 2 bases deleted (TG; older notation c.879_880delTG).
Protein change: p.Cys293_Asp294delinsTer.
Molecular consequence: nonsense.
Genome position (GRCh38, 1-based): chr20:10,652,474-10,652,475, CA deleted on the plus strand (TG on the coding strand, the reverse complement: JAG1 is on the minus strand); deleting any 2 consecutive bases within chr20:10,652,474-10,652,477 gives the same sequence; the c. name uses the placement nearest the transcript's 3' end. VCF-style (leftmost placement, unchanged base first): chr20-10652473-TCA-T. GRCh37 (hg19) VCF-style: chr20-10633121-TCA-T.
Other names: c.879_880delTG (NM_000214.3, NM_000214.2).
Identifiers: ClinVar variation 4853043 (VCV004853043.2).